The following is an entry in ClinVar:

ClinVar aggregate classification (germline): Uncertain significance (1 of 4 stars; one submission).

Conditions:
Neonatal-onset encephalopathy with rigidity and seizures. Also called: Lethal neonatal spasticity-epileptic encephalopathy syndrome. Identifiers: Orphanet 435845, MedGen C3281029, MONDO:0013784, OMIM 614498.

Allele frequency attached by ClinVar (database versions not stated): gnomAD exomes 0.00001 and below 0.00001; gnomAD 0.00001; TOPMed below 0.00001.
gnomAD v4.1: 3 of 1,612,250 alleles (0.00019%); highest among the groups gnomAD compares: Admixed American, 0.005%; no homozygotes.

Submission:

Labcorp Genetics (formerly Invitae), Labcorp
Classification: Uncertain significance for Neonatal-onset encephalopathy with rigidity and seizures. Last evaluated: 2022-07-26. Review status: criteria provided, single submitter. Criteria: Invitae Variant Classification Sherloc (09022015). Collection method: clinical testing. Allele origin: germline.
Comment: This sequence change replaces proline, which is neutral and non-polar, with serine, which is neutral and polar, at codon 687 of the BRAT1 protein (p.Pro687Ser). In summary, the available evidence is currently insufficient to determine the role of this variant in disease. Therefore, it has been classified as a Variant of Uncertain Significance. Algorithms developed to predict the effect of missense changes on protein structure and function output the following: SIFT: "Tolerated"; PolyPhen-2: "Benign"; Align-GVGD: "Class C0". The serine amino acid residue is found in multiple mammalian species, which suggests that this missense change does not adversely affect protein function. ClinVar contains an entry for this variant (Variation ID: 1423446). This variant has not been reported in the literature in individuals affected with BRAT1-related conditions. This variant is present in population databases (no rsID available, gnomAD 0.006%).

NM_152743.4(BRAT1):c.2059C>T (p.Pro687Ser)

Gene: BRAT1 (BRCA1 associated ATM activator 1; minus strand). Cytogenetic location: 7p22.3.
Variant type: single nucleotide variant.
Coding change: c.2059C>T on transcript NM_152743.4 (MANE Select); coding-DNA position 2059, C replaced by T.
Protein change: p.Pro687Ser; replaces proline 687 with serine.
Molecular consequence: missense variant. On other transcripts: non-coding transcript variant (1).
Genome position (GRCh38, 1-based): chr7:2,538,476, G>A on the plus strand (C>T on the coding strand, the complement: BRAT1 is on the minus strand). VCF-style: chr7-2538476-G-A. GRCh37 (hg19) VCF-style: chr7-2578110-G-A.
Other names: c.1534C>T, p.Pro512Ser (NM_001350627.2); c.2239C>T, p.Pro747Ser (NM_001350626.2); short protein forms P687S, P747S, P512S.
Identifiers: ClinVar variation 1423446 (VCV001423446.6), dbSNP rs1332756765, ClinGen allele CA366624834.